The following is an entry in ClinVar:

ClinVar aggregate classification (germline): Uncertain significance. Review status: criteria provided, single submitter (1 of 4 stars). 3 submissions from 3 submitters: Uncertain significance (1). 2 of the submissions do not count toward it. Last evaluated 2023-06-10.

Conditions:
Hypodontia. Also called: Partial congenital absence of teeth; Tooth agenesis, selective. Identifiers: Orphanet 99798, MedGen C0020608, MONDO:0005486, HP:0000668. Disease mechanism: loss of function.
Tooth agenesis, selective, 3 (STHAG3). Also called: HYPODONTIA/OLIGODONTIA 3. Identifiers: Orphanet 99798, MedGen C1970291, MONDO:0011477, OMIM 604625. Disease mechanism: loss of function.

Submissions (3):

Labcorp Genetics (formerly Invitae), Labcorp
Classification: Uncertain significance for Hypodontia. Last evaluated: 2023-06-10. Review status: criteria provided, single submitter. Criteria: Invitae Variant Classification Sherloc (09022015). Collection method: clinical testing. Allele origin: germline.
Comment: In summary, the available evidence is currently insufficient to determine the role of this variant in disease. Therefore, it has been classified as a Variant of Uncertain Significance. Experimental studies are conflicting or provide insufficient evidence to determine the effect of this variant on PAX9 function (PMID: 19429910). Advanced modeling of protein sequence and biophysical properties (such as structural, functional, and spatial information, amino acid conservation, physicochemical variation, residue mobility, and thermodynamic stability) performed at Invitae indicates that this missense variant is expected to disrupt PAX9 protein function. ClinVar contains an entry for this variant (Variation ID: 13779). This missense change has been observed in individual(s) with tooth agenesis (PMID: 12786960, 30417976). This variant is not present in population databases (gnomAD no frequency). This sequence change replaces glycine, which is neutral and non-polar, with serine, which is neutral and polar, at codon 51 of the PAX9 protein (p.Gly51Ser).

OMIM
Classification: Pathogenic for TOOTH AGENESIS, SELECTIVE, 3. Last evaluated: 2009-08-01. Review status: no assertion criteria provided. Collection method: literature only. Allele origin: germline. Not counted in ClinVar's aggregate classification.

Department of Second Dental Center, Ninth People’s Hospital, Shanghai Jiao Tong University School of Medicine
Classification: Pathogenic for Tooth agenesis, selective, 3. Review status: no assertion criteria provided. Collection method: clinical testing. Allele origin: inherited. Affected: yes. Not counted in ClinVar's aggregate classification.

Literature cited by the submitters: PubMed 19429910 (cited by Labcorp Genetics (formerly Invitae), Labcorp and OMIM); PubMed 12786960 (cited by Labcorp Genetics (formerly Invitae), Labcorp and OMIM); PubMed 30417976 (cited by Labcorp Genetics (formerly Invitae), Labcorp); PubMed 36071541 (cited by Department of Second Dental Center, Ninth People’s Hospital, Shanghai Jiao Tong University School of Medicine).

NM_001372076.1(PAX9):c.151G>A (p.Gly51Ser)

Gene: PAX9 (paired box 9; plus strand). Cytogenetic location: 14q13.3.
Variant type: single nucleotide variant.
Coding change: c.151G>A on transcript NM_001372076.1 (MANE Select); coding-DNA position 151, G replaced by A.
Protein change: p.Gly51Ser; replaces glycine 51 with serine.
Molecular consequence: missense variant.
Genome position (GRCh38, 1-based): chr14:36,663,043, G>A. VCF-style: chr14-36663043-G-A. GRCh37 (hg19) VCF-style: chr14-37132248-G-A.
Other names: c.151G>A, p.Gly51Ser (NM_006194.4); short protein forms G51S.
Identifiers: ClinVar variation 13779 (VCV000013779.5), dbSNP rs104894469, ClinGen allele CA123453.
Genomic context (GRCh38, chr14:36,663,043, plus strand): 5'-GAACTGGCCCAACTGGGCATCCGACCGTGTGACATCAGCCGCCAGCTACGGGTCTCGCAC[G>A]GCTGCGTCAGCAAGATCCTGGCGCGATACAACGAGACGGGCTCGATCTTGCCAGGAGCCA-3'
Protein context (NP_001359005.1, residues 41-61): DISRQLRVSH[Gly51Ser]CVSKILARYN